The following is an entry in ClinVar:

ClinVar aggregate classification (germline): Conflicting classifications of pathogenicity. Review status: criteria provided, conflicting classifications (1 of 4 stars). 5 submissions from 5 submitters: Uncertain significance (3); Likely benign (2). Last evaluated 2026-04-02.

Conditions:
Dent disease type 1 (DENT1). Also called: NEPHROLITHIASIS 2; NEPHROLITHIASIS, HYPERCALCIURIC, X-LINKED. Identifiers: Orphanet 1652, Orphanet 93622, MedGen C1848336, MONDO:0010225, OMIM 300009.
Hypophosphatemic rickets, X-linked recessive (XLHRR). Identifiers: Orphanet 1652, Orphanet 93622, MedGen C1845168, MONDO:0010358, OMIM 300554.
X-linked recessive nephrolithiasis with renal failure (XRN). Also called: NEPHROLITHIASIS 1; NEPHROLITHIASIS, X-LINKED RECESSIVE, TYPE 1; UROLITHIASIS, X-LINKED RECESSIVE, TYPE 1. Identifiers: Orphanet 1652, Orphanet 93622, MedGen C0403720, MONDO:0010687, OMIM 310468.
Proteinuria, low molecular weight, with hypercalciuria and nephrocalcinosis. Identifiers: Orphanet 1652, Orphanet 93622, MedGen C1839874, MONDO:0010644, OMIM 308990.
Inborn genetic diseases. Identifiers: MedGen C0950123, MeSH D030342.

Allele frequency attached by ClinVar (database versions not stated): gnomAD 0.00014 and 0.00015; gnomAD exomes 0.00014; ESP Exome Variant Server 0.00019; TOPMed 0.00019.
gnomAD v4.1: 166 of 1,204,137 alleles (0.014%); highest among the groups gnomAD compares: Non-Finnish European, 0.018%; 1 homozygote.

Submissions (5):

GeneDx
Classification: Uncertain significance. Last evaluated: 2026-04-02. Review status: criteria provided, single submitter. Criteria: GeneDx Variant Classification Process June 2021. Collection method: clinical testing. Allele origin: germline.
Comment: Missense variants in this gene are a common cause of disease and they are underrepresented in the general population; In silico analysis supports that this missense variant has a deleterious effect on protein structure/function; Has not been previously published as pathogenic or benign to our knowledge

Labcorp Genetics (formerly Invitae), Labcorp
Classification: Uncertain significance. Last evaluated: 2025-10-27. Review status: criteria provided, single submitter. Criteria: Invitae Variant Classification Sherloc (09022015). Collection method: clinical testing. Allele origin: germline.
Comment: This sequence change replaces arginine, which is basic and polar, with histidine, which is basic and polar, at codon 239 of the CLCN5 protein (p.Arg239His). This variant is present in population databases (rs147798092, gnomAD 0.01%), and has an allele count higher than expected for a pathogenic variant. This variant has not been reported in the literature in individuals affected with CLCN5-related conditions. ClinVar contains an entry for this variant (Variation ID: 1398755). Invitae Evidence Modeling of protein sequence and biophysical properties (such as structural, functional, and spatial information, amino acid conservation, physicochemical variation, residue mobility, and thermodynamic stability) indicates that this missense variant is not expected to disrupt CLCN5 protein function with a negative predictive value of 80%. In summary, the available evidence is currently insufficient to determine the role of this variant in disease. Therefore, it has been classified as a Variant of Uncertain Significance.

Ambry Genetics
Classification: Likely benign for Inborn genetic diseases. Last evaluated: 2025-08-06. Review status: criteria provided, single submitter. Criteria: Ambry Variant Classification Scheme 2023. Collection method: clinical testing. Allele origin: germline.

CeGaT Center for Human Genetics Tuebingen
Classification: Likely benign. Last evaluated: 2023-02-01. Review status: criteria provided, single submitter. Criteria: CeGaT Center For Human Genetics Tuebingen Variant Classification Criteria Version 2. Collection method: clinical testing. Allele origin: germline. Affected: yes. Observed: 1 variant allele.
Comment: CLCN5: PP3, BS2

Fulgent Genetics
Classification: Uncertain significance for Dent disease type 1; Hypophosphatemic rickets, X-linked recessive; Proteinuria, low molecular weight, with hypercalciuria and nephrocalcinosis; X-linked recessive nephrolithiasis with renal failure. Last evaluated: 2022-03-17. Review status: criteria provided, single submitter. Criteria: ACMG Guidelines, 2015. Collection method: clinical testing. Allele origin: unknown.

NM_001127898.4(CLCN5):c.926G>A (p.Arg309His)

Gene: CLCN5 (Cl-/H+ antiporter 5; plus strand). Cytogenetic location: Xp11.23.
Variant type: single nucleotide variant.
Coding change: c.926G>A on transcript NM_001127898.4 (MANE Select); coding-DNA position 926, G replaced by A.
Protein change: p.Arg309His; replaces arginine 309 with histidine.
Molecular consequence: missense variant.
Genome position (GRCh38, 1-based): chrX:50,081,840, G>A. VCF-style: chrX-50081840-G-A. GRCh37 (hg19) VCF-style: chrX-49846497-G-A.
Other names: c.716G>A, p.Arg239His (NM_000084.5); c.926G>A, p.Arg309His (NM_001127899.4); c.776G>A, p.Arg259His (NM_001282163.2); short protein forms R239H, R259H, R309H.
Identifiers: ClinVar variation 1398755 (VCV001398755.36), dbSNP rs147798092, ClinGen allele CA10413805.